The following is an entry in ClinVar:

NM_001614.5(ACTG1):c.773C>T (p.Pro258Leu)

Gene: ACTG1 (actin gamma 1; minus strand). Cytogenetic location: 17q25.3.
Variant type: single nucleotide variant.
Coding change: c.773C>T on transcript NM_001614.5 (MANE Select); coding-DNA position 773, C replaced by T.
Protein change: p.Pro258Leu; replaces proline 258 with leucine.
Molecular consequence: missense variant. On other transcripts: non-coding transcript variant (1).
Genome position (GRCh38, 1-based): chr17:81,511,217, G>A on the plus strand (C>T on the coding strand, the complement: ACTG1 is on the minus strand). VCF-style: chr17-81511217-G-A. GRCh37 (hg19) VCF-style: chr17-79478243-G-A.
Other names: c.773C>T, p.Pro258Leu (NM_001199954.3); short protein forms P258L.
Identifiers: ClinVar variation 639093 (VCV000639093.55), dbSNP rs11549191, ClinGen allele CA295068193.

ClinVar aggregate classification (germline): Conflicting classifications of pathogenicity. Review status: criteria provided, conflicting classifications (1 of 4 stars). 7 submissions from 7 submitters: Pathogenic (3); Likely pathogenic (3); Uncertain significance (1). Last evaluated 2025-12-11.

Conditions:
ACTG1-related disorder. Also called: ACTG1-related condition; ACTG1-related disorders.
Baraitser-winter syndrome 2. Identifiers: Orphanet 2995, MedGen C3281235, MONDO:0013812, OMIM 614583.
Autosomal dominant nonsyndromic hearing loss 20. Identifiers: Orphanet 90635, MedGen C1858172, MONDO:0011480, OMIM 604717.

Submissions (7):

Medical and Scientific Branch, Hong Kong Genome Institute
Classification: Likely pathogenic for Baraitser-winter syndrome 2. Last evaluated: 2025-12-11. Review status: criteria provided, single submitter. Criteria: ACMG Guidelines, 2015. Collection method: clinical testing. Allele origin: germline. Affected: yes.

Molecular Genetics, Royal Melbourne Hospital
Classification: Likely pathogenic for Baraitser-winter syndrome 2. Last evaluated: 2023-07-07. Review status: criteria provided, single submitter. Criteria: ACMG Guidelines, 2015. Collection method: clinical testing. Allele origin: germline. Inheritance: Autosomal dominant inheritance. Affected: yes.
Comment: This sequence change in ACTG1 is predicted to replace proline with leucine at codon 258, p.(Pro258Leu). The proline residue is highly conserved (100 vertebrates, UCSC), and is located in a helical region, amino acids 245-300, that is highly intolerant to missense variation (PMID: 31116477). There is a moderate physicochemical difference between proline and leucine. This variant is absent from the population database gnomAD v2.1 and v3.1. This variant has been identified as a de novo occurrence with unconfirmed parental relationships in two individuals with syndromic deafness, including neurodevelopmental and ocular features (PMID: 28000701, 34448047). Computational evidence predicts a deleterious effect for the missense substitution (REVEL = 0.895). Based on the classification scheme RMH Modified ACMG/AMP Guidelines v1.6.1, this variant is classified as LIKELY PATHOGENIC. Following criteria are met: PM6_Strong, PM1, PM2_Supporting, PP3.

GeneDx
Classification: Pathogenic. Last evaluated: 2022-01-26. Review status: criteria provided, single submitter. Criteria: GeneDx Variant Classification Process June 2021. Collection method: clinical testing. Allele origin: germline. Affected: yes.
Comment: Not observed in large population cohorts (gnomAD); Missense variants in this gene are often considered pathogenic (HGMD); In silico analysis supports that this missense variant has a deleterious effect on protein structure/function; This variant is associated with the following publications: (PMID: 28000701)

CeGaT Center for Human Genetics Tuebingen
Classification: Pathogenic. Last evaluated: 2021-04-01. Review status: criteria provided, single submitter. Criteria: CeGaT Center For Human Genetics Tuebingen Variant Classification Criteria Version 2. Collection method: clinical testing. Allele origin: germline. Affected: yes. Observed: 2 variant alleles.

Labcorp Genetics (formerly Invitae), Labcorp
Classification: Uncertain significance for Baraitser-winter syndrome 2; Autosomal dominant nonsyndromic hearing loss 20. Last evaluated: 2020-04-01. Review status: criteria provided, single submitter. Criteria: Invitae Variant Classification Sherloc (09022015). Collection method: clinical testing. Allele origin: germline.
Comment: This sequence change replaces proline with leucine at codon 258 of the ACTG1 protein (p.Pro258Leu). The proline residue is highly conserved and there is a moderate physicochemical difference between proline and leucine. In summary, the available evidence is currently insufficient to determine the role of this variant in disease. Therefore, it has been classified as a Variant of Uncertain Significance. Algorithms developed to predict the effect of missense changes on protein structure and function are either unavailable or do not agree on the potential impact of this missense change (SIFT: "Deleterious"; PolyPhen-2: "Probably Damaging"; Align-GVGD: "Class C0"). This variant has been observed in individual(s) with hearing impairment (PMID: 28000701). In at least one individual the variant was observed to be de novo. ClinVar contains an entry for this variant (Variation ID: 639093). This variant is not present in population databases (ExAC no frequency).

Athena Diagnostics
Classification: Pathogenic. Last evaluated: 2019-01-21. Review status: criteria provided, single submitter. Criteria: Athena Diagnostics Criteria. Collection method: clinical testing. Allele origin: germline.
Comment: Not found in the total gnomAD dataset, and the data is high quality (0/281966 chr). Predicted to have a damaging effect on the protein.

Blueprint Genetics
Classification: Likely pathogenic for ACTG1-related disorders. Last evaluated: 2017-09-24. Review status: criteria provided, single submitter. Criteria: ACMG Guidelines, 2015. Collection method: clinical testing. Allele origin: germline. Affected: yes. Observed: 1 variant allele.

Literature cited by the submitters: PubMed 28000701 (cited by 3 submitters); PubMed 31116477 (cited by Molecular Genetics, Royal Melbourne Hospital); PubMed 34448047 (cited by Molecular Genetics, Royal Melbourne Hospital).